The following is an entry in ClinVar:

ClinVar aggregate classification (germline): Uncertain significance. Review status: criteria provided, multiple submitters, no conflicts (2 of 4 stars). 2 submissions from 2 submitters: Uncertain significance (2). Last evaluated 2026-07-06.

Conditions:
Hereditary cancer-predisposing syndrome. Also called: Hereditary Cancer Syndrome; Hereditary neoplastic syndrome; Neoplastic Syndromes, Hereditary; Tumor predisposition. Identifiers: Orphanet 140162, MedGen C0027672, MeSH D009386, MONDO:0015356.

Allele frequency attached by ClinVar (database versions not stated): gnomAD exomes below 0.00001.

Submissions (2):

Ambry Genetics
Classification: Uncertain significance for Hereditary cancer-predisposing syndrome. Last evaluated: 2026-07-06. Review status: criteria provided, single submitter. Criteria: Ambry Variant Classification Scheme 2023. Collection method: clinical testing. Allele origin: germline.
Comment: The p.M115I variant (also known as c.345G>C), located in coding exon 2 of the MSH3 gene, results from a G to C substitution at nucleotide position 345. The methionine at codon 115 is replaced by isoleucine, an amino acid with highly similar properties. This amino acid position is conserved. In addition, this alteration is predicted to be tolerated by in silico analysis. Based on the available evidence, the clinical significance of this variant remains unclear.

Labcorp Genetics (formerly Invitae), Labcorp
Classification: Uncertain significance. Last evaluated: 2023-03-31. Review status: criteria provided, single submitter. Criteria: Invitae Variant Classification Sherloc (09022015). Collection method: clinical testing. Allele origin: germline.
Comment: This variant is not present in population databases (gnomAD no frequency). This sequence change replaces methionine, which is neutral and non-polar, with isoleucine, which is neutral and non-polar, at codon 115 of the MSH3 protein (p.Met115Ile). This variant has not been reported in the literature in individuals affected with MSH3-related conditions. In summary, the available evidence is currently insufficient to determine the role of this variant in disease. Therefore, it has been classified as a Variant of Uncertain Significance. Algorithms developed to predict the effect of missense changes on protein structure and function output the following: SIFT: "Not Available"; PolyPhen-2: "Benign"; Align-GVGD: "Not Available". The isoleucine amino acid residue is found in multiple mammalian species, which suggests that this missense change does not adversely affect protein function.

NM_002439.5(MSH3):c.345G>C (p.Met115Ile)

Gene: MSH3 (mutS homolog 3; plus strand). Cytogenetic location: 5q14.1.
Variant type: single nucleotide variant.
Coding change: c.345G>C on transcript NM_002439.5 (MANE Select); coding-DNA position 345, G replaced by C.
Protein change: p.Met115Ile; replaces methionine 115 with isoleucine.
Molecular consequence: missense variant.
Genome position (GRCh38, 1-based): chr5:80,656,518, G>C. VCF-style: chr5-80656518-G-C. GRCh37 (hg19) VCF-style: chr5-79952337-G-C.
Other names: c.345G>C (NM_002439.3); short protein forms M115I.
Identifiers: ClinVar variation 2851122 (VCV002851122.4), dbSNP rs369397158, ClinGen allele CA360266560.